The following is an entry in ClinVar:

NM_000368.5(TSC1):c.638T>C (p.Leu213Pro)

Gene: TSC1 (TSC complex subunit 1; minus strand). Cytogenetic location: 9q34.13.
Variant type: single nucleotide variant.
Coding change: c.638T>C on transcript NM_000368.5 (MANE Select); coding-DNA position 638, T replaced by C.
Protein change: p.Leu213Pro; replaces leucine 213 with proline.
Molecular consequence: missense variant. On other transcripts: 5 prime UTR variant (5), non-coding transcript variant (5).
Genome position (GRCh38, 1-based): chr9:132,921,844, A>G on the plus strand (T>C on the coding strand, the complement: TSC1 is on the minus strand). VCF-style: chr9-132921844-A-G. GRCh37 (hg19) VCF-style: chr9-135797231-A-G.
Other names: c.638T>C, p.Leu213Pro (NM_001406602.1, NM_001406603.1, NM_001406604.1 and 16 more transcripts); c.485T>C, p.Leu162Pro (NM_001406610.1, NM_001406611.1, NM_001162427.2 and 2 more transcripts); c.275T>C, p.Leu92Pro (NM_001406621.1, NM_001406622.1, NM_001406623.1 and 10 more transcripts); c.-240T>C (NM_001406626.1, NM_001406627.1, NM_001406628.1); c.-382T>C (NM_001406629.1); c.-456T>C (NM_001406630.1); short protein forms L213P, L162P, L92P.
Identifiers: ClinVar variation 2907179 (VCV002907179.4), dbSNP rs2132151204, ClinGen allele CA375372332.

ClinVar aggregate classification (germline): Uncertain significance. Review status: criteria provided, multiple submitters, no conflicts (2 of 4 stars). 2 submissions from 2 submitters: Uncertain significance (2). Last evaluated 2026-03-24.

Conditions:
Tuberous sclerosis 1 (TSC1). Identifiers: Orphanet 805, MedGen C1854465, MONDO:0008612, OMIM 191100.

Submissions (2):

GeneDx
Classification: Uncertain significance. Last evaluated: 2026-03-24. Review status: criteria provided, single submitter. Criteria: GeneDx Variant Classification Process June 2021. Collection method: clinical testing. Allele origin: germline.
Comment: Not observed at significant frequency in large population cohorts (gnomAD); In silico analysis supports that this missense variant has a deleterious effect on protein structure/function; Has not been previously published as pathogenic or benign to our knowledge

Labcorp Genetics (formerly Invitae), Labcorp
Classification: Uncertain significance for Tuberous sclerosis 1. Last evaluated: 2023-06-14. Review status: criteria provided, single submitter. Criteria: Invitae Variant Classification Sherloc (09022015). Collection method: clinical testing. Allele origin: germline.
Comment: This sequence change replaces leucine, which is neutral and non-polar, with proline, which is neutral and non-polar, at codon 213 of the TSC1 protein (p.Leu213Pro). This variant is not present in population databases (gnomAD no frequency). In summary, the available evidence is currently insufficient to determine the role of this variant in disease. Therefore, it has been classified as a Variant of Uncertain Significance. Advanced modeling of protein sequence and biophysical properties (such as structural, functional, and spatial information, amino acid conservation, physicochemical variation, residue mobility, and thermodynamic stability) performed at Invitae indicates that this missense variant is not expected to disrupt TSC1 protein function. This variant has not been reported in the literature in individuals affected with TSC1-related conditions.